The following is an entry in ClinVar:

ClinVar aggregate classification (germline): Uncertain significance. Review status: criteria provided, multiple submitters, no conflicts (2 of 4 stars). 3 submissions from 3 submitters: Uncertain significance (3). Last evaluated 2024-09-04.

Conditions:
Inborn genetic diseases. Identifiers: MedGen C0950123, MeSH D030342.

Allele frequency attached by ClinVar (database versions not stated): ExAC 0.00003; gnomAD exomes 0.00005 and 0.00006; ESP Exome Variant Server 0.00023; gnomAD 0.00033 and 0.00036; TOPMed 0.00035.
gnomAD v4.1: 129 of 1,614,074 alleles (0.008%); highest among the groups gnomAD compares: African/African-American, 0.12%; no homozygotes.

Submissions (3):

Women's Health and Genetics/Laboratory Corporation of America, LabCorp
Classification: Uncertain significance. Last evaluated: 2024-09-04. Review status: criteria provided, single submitter. Criteria: LabCorp Variant Classification Summary - May 2015. Collection method: clinical testing. Allele origin: germline.
Comment: Variant summary: INSR c.2293G>A (p.Gly765Ser) results in a non-conservative amino acid change located in the Fibronectin type III (IPR003961) of the encoded protein sequence. Four of five in-silico tools predict a benign effect of the variant on protein function. The variant allele was found at a frequency of 5.6e-05 in 251120 control chromosomes. This frequency is not significantly higher than estimated for a pathogenic variant in INSR causing Hyperinsulinemic Hypoglycemia Familial 5, allowing no conclusion about variant significance. To our knowledge, no occurrence of c.2293G>A in individuals affected with Hyperinsulinemic Hypoglycemia Familial 5 and no experimental evidence demonstrating its impact on protein function have been reported. ClinVar contains an entry for this variant (Variation ID: 211191). Based on the evidence outlined above, the variant was classified as uncertain significance.

Ambry Genetics
Classification: Uncertain significance for Inborn genetic diseases. Last evaluated: 2021-10-15. Review status: criteria provided, single submitter. Criteria: Ambry Variant Classification Scheme 2023. Collection method: clinical testing. Allele origin: germline.

Genetic Services Laboratory, University of Chicago
Classification: Uncertain significance. Last evaluated: 2015-06-04. Review status: criteria provided, single submitter. Criteria: ACMG Guidelines, 2015. Collection method: clinical testing. Allele origin: germline.

NM_000208.4(INSR):c.2293G>A (p.Gly765Ser)

Gene: INSR (insulin receptor; minus strand). Cytogenetic location: 19p13.2.
Variant type: single nucleotide variant.
Coding change: c.2293G>A on transcript NM_000208.4 (MANE Select); coding-DNA position 2293, G replaced by A.
Protein change: p.Gly765Ser; replaces glycine 765 with serine.
Molecular consequence: missense variant.
Genome position (GRCh38, 1-based): chr19:7,143,065, C>T on the plus strand (G>A on the coding strand, the complement: INSR is on the minus strand). VCF-style: chr19-7143065-C-T. GRCh37 (hg19) VCF-style: chr19-7143076-C-T.
Other names: c.2257G>A, p.Gly753Ser (NM_001079817.3); short protein forms G765S, G753S.
Identifiers: ClinVar variation 211191 (VCV000211191.8), dbSNP rs146698985, ClinGen allele CA206380.
Genomic context (GRCh38, chr19:7,143,065, plus strand): 5'-AGGAAGTGTTGGGGAAAGCTGCCACCGTGGGCACGGCCACCGTCACATTCCCAACATCGC[C>T]AAGGGACCTGCGTTTCCGAGATGGCCTGGAACGACAGTAGGACATGTATGATGACACCAT-3'
Protein context (NP_000199.2, residues 755-775): PRPSRKRRSL[Gly765Ser]DVGNVTVAVP